The following is an entry in ClinVar:

ClinVar aggregate classification (germline): Likely benign. Review status: criteria provided, multiple submitters, no conflicts (2 of 4 stars). 4 submissions from 4 submitters: Likely benign (3). 1 of the submissions does not count toward it. Last evaluated 2025-12-28.

Conditions:
Hereditary cancer-predisposing syndrome. Also called: Tumor predisposition; Hereditary Cancer Syndrome; Neoplastic Syndromes, Hereditary; Hereditary neoplastic syndrome. Identifiers: Orphanet 140162, MedGen C0027672, MeSH D009386, MONDO:0015356.
Gorlin syndrome. Also called: Basal cell nevus syndrome; Nevoid Basal Cell Carcinoma Syndrome. Identifiers: Orphanet 377, MedGen C0004779, MONDO:0007187.
PTCH1-related disorder. Also called: PTCH1-related disorders; PTCH1-related condition.

Allele frequency attached by ClinVar (database versions not stated): TOPMed 0.00002.
gnomAD v4.1: 28 of 1,614,022 alleles (0.0017%); highest among the groups gnomAD compares: Non-Finnish European, 0.002%; no homozygotes.

Submissions (4):

Labcorp Genetics (formerly Invitae), Labcorp
Classification: Likely benign for Gorlin syndrome. Last evaluated: 2025-12-28. Review status: criteria provided, single submitter. Criteria: Invitae Variant Classification Sherloc (09022015). Collection method: clinical testing. Allele origin: germline.

Quest Diagnostics Nichols Institute San Juan Capistrano
Classification: Likely benign. Last evaluated: 2025-02-10. Review status: criteria provided, single submitter. Criteria: Quest Diagnostics criteria. Collection method: clinical testing. Allele origin: unknown.

Ambry Genetics
Classification: Likely benign for Hereditary cancer-predisposing syndrome. Last evaluated: 2021-06-03. Review status: criteria provided, single submitter. Criteria: Ambry Variant Classification Scheme 2023. Collection method: clinical testing. Allele origin: germline.

PreventionGenetics, part of Exact Sciences
Classification: Likely benign for PTCH1-related condition. Last evaluated: 2021-05-11. Review status: no assertion criteria provided. Collection method: clinical testing. Allele origin: germline. Not counted in ClinVar's aggregate classification.
Comment: This variant is classified as likely benign based on ACMG/AMP sequence variant interpretation guidelines (Richards et al. 2015 PMID: 25741868, with internal and published modifications).

NM_000264.5(PTCH1):c.4191C>T (p.Leu1397=)

Gene: PTCH1 (patched 1; minus strand). Cytogenetic location: 9q22.32.
Variant type: single nucleotide variant.
Coding change: c.4191C>T on transcript NM_000264.5 (MANE Select); coding-DNA position 4191, C replaced by T.
Protein change: p.Leu1397=; no amino-acid change (leucine 1397 retained).
Molecular consequence: synonymous variant. On other transcripts: non-coding transcript variant (1).
Genome position (GRCh38, 1-based): chr9:95,447,065, G>A on the plus strand (C>T on the coding strand, the complement: PTCH1 is on the minus strand). VCF-style: chr9-95447065-G-A. GRCh37 (hg19) VCF-style: chr9-98209347-G-A.
Other names: c.4191C>T (NM_000264.4); c.3993C>T, p.Leu1331= (NM_001083602.3); c.4188C>T, p.Leu1396= (NM_001083603.3); c.3738C>T, p.Leu1246= (NM_001083604.3, NM_001083605.3, NM_001083606.3 and 1 more transcripts); c.4035C>T, p.Leu1345= (NM_001354918.2).
Identifiers: ClinVar variation 453880 (VCV000453880.16), dbSNP rs754826635, ClinGen allele CA5137926.